The following is an entry in ClinVar:

NM_002439.5(MSH3):c.1334C>G (p.Ser445Cys)

Gene: MSH3 (mutS homolog 3; plus strand). Cytogenetic location: 5q14.1.
Variant type: single nucleotide variant.
Coding change: c.1334C>G on transcript NM_002439.5 (MANE Select); coding-DNA position 1334, C replaced by G.
Protein change: p.Ser445Cys; replaces serine 445 with cysteine.
Molecular consequence: missense variant.
Genome position (GRCh38, 1-based): chr5:80,679,087, C>G. VCF-style: chr5-80679087-C-G. GRCh37 (hg19) VCF-style: chr5-79974906-C-G.
Other names: short protein forms S445C.
Identifiers: ClinVar variation 5024809 (VCV005024809.1).

ClinVar aggregate classification (germline): Uncertain significance (1 of 4 stars; one submission).

Conditions:
Hereditary cancer-predisposing syndrome. Also called: Neoplastic Syndromes, Hereditary; Tumor predisposition; Hereditary neoplastic syndrome; Hereditary Cancer Syndrome. Identifiers: Orphanet 140162, MedGen C0027672, MeSH D009386, MONDO:0015356.

Submission:

Ambry Genetics
Classification: Uncertain significance for Hereditary cancer-predisposing syndrome. Last evaluated: 2026-07-20. Review status: criteria provided, single submitter. Criteria: Ambry Variant Classification Scheme 2023. Collection method: clinical testing. Allele origin: germline.
Comment: The p.S445C variant (also known as c.1334C>G), located in coding exon 8 of the MSH3 gene, results from a C to G substitution at nucleotide position 1334. The serine at codon 445 is replaced by cysteine, an amino acid with dissimilar properties. This amino acid position is conserved. In addition, this alteration is predicted to be tolerated by in silico analysis. Based on the available evidence, the clinical significance of this variant remains unclear.